The following is an entry in ClinVar:

ClinVar aggregate classification (germline): Uncertain significance (0 of 4 stars; one submission).

Conditions:
NR0B2-related disorder. Also called: NR0B2-related condition.

gnomAD v4.1: 2 of 1,614,154 alleles (0.00012%); highest among the groups gnomAD compares: Non-Finnish European, 0.00017%; no homozygotes.

Submission:

PreventionGenetics, part of Exact Sciences
Classification: Uncertain significance for NR0B2-related condition. Last evaluated: 2023-12-19. Review status: no assertion criteria provided. Collection method: clinical testing. Allele origin: germline.
Comment: The NR0B2 c.716C>T variant is predicted to result in the amino acid substitution p.Pro239Leu. To our knowledge, this variant has not been reported in the literature. This variant is reported in 0.00088% of alleles in individuals of European (Non-Finnish) descent in gnomAD. At this time, the clinical significance of this variant is uncertain due to the absence of conclusive functional and genetic evidence.

NM_021969.3(NR0B2):c.716C>T (p.Pro239Leu)

Genes: NR0B2 (nuclear receptor subfamily 0 group B member 2; minus strand), NUDC (nuclear distribution C, dynein complex regulator; plus strand). Cytogenetic location: 1p36.11.
Variant type: single nucleotide variant.
Coding change: c.716C>T on transcript NM_021969.3 (MANE Select); coding-DNA position 716, C replaced by T.
Protein change: p.Pro239Leu; replaces proline 239 with leucine.
Molecular consequence: missense variant.
Genome position (GRCh38, 1-based): chr1:26,911,903, G>A on the plus strand (C>T on the coding strand, the complement: NR0B2 is on the minus strand). VCF-style: chr1-26911903-G-A. GRCh37 (hg19) VCF-style: chr1-27238394-G-A.
Other names: short protein forms P239L.
Identifiers: ClinVar variation 3354523 (VCV003354523.1).